The following is an entry in ClinVar:

NM_006180.6(NTRK2):c.2491C>G (p.Pro831Ala)

Gene: NTRK2 (neurotrophic receptor tyrosine kinase 2; plus strand). Cytogenetic location: 9q21.33.
Variant type: single nucleotide variant.
Coding change: c.2491C>G on transcript NM_006180.6 (MANE Select); coding-DNA position 2491, C replaced by G.
Protein change: p.Pro831Ala; replaces proline 831 with alanine.
Molecular consequence: missense variant.
Genome position (GRCh38, 1-based): chr9:85,021,411, C>G. VCF-style: chr9-85021411-C-G. GRCh37 (hg19) VCF-style: chr9-87636326-C-G.
Other names: c.2443C>G, p.Pro815Ala (NM_001018064.3, NM_001369532.1, NM_001369533.1); c.2407C>G, p.Pro803Ala (NM_001369534.1); c.1975C>G, p.Pro659Ala (NM_001369535.1); c.2023C>G, p.Pro675Ala (NM_001369536.1); short protein forms P659A, P675A, P803A, P815A, P831A.
Identifiers: ClinVar variation 4849673 (VCV004849673.2).

ClinVar aggregate classification (germline): Uncertain significance. Review status: criteria provided, multiple submitters, no conflicts (2 of 4 stars). 2 submissions from 2 submitters: Uncertain significance (2). Last evaluated 2025-12-19.

Conditions:
Developmental and epileptic encephalopathy, 58. Also called: EPILEPTIC ENCEPHALOPATHY, EARLY INFANTILE, 58. Identifiers: MedGen C4693367, MONDO:0033367, OMIM 617830.

gnomAD v4.1: 3 of 1,614,186 alleles (0.00019%); highest among the groups gnomAD compares: South Asian, 0.0033%; no homozygotes.

Submissions (2):

Diagnostics Services (NGS), CSIR - Centre For Cellular And Molecular Biology
Classification: Uncertain significance for Developmental and epileptic encephalopathy, 58. Last evaluated: 2025-12-19. Review status: criteria provided, single submitter. Criteria: ACMG Guidelines, 2015. Collection method: clinical testing. Allele origin: germline. Observed: 1 variant allele, 1 heterozygote.
Comment: The c.2491C>G variant is not present in publicly available population databases like 1000 Genomes, EVS, gnomAD, Indian Exome Database or our internal database. This variant has neither been published in the literature for NTRK2-related conditions nor reported to clinical databases like Human Genome Mutation Database (HGMD), OMIM, or ClinVar, in any affected individuals. In-silico pathogenicity prediction programs like Polyphen-2, MutationTaster2, CADD, etc predicted this variant to be likely deleterious, however these predictions were not confirmed by published functional studies.

Blueprint Genetics
Classification: Uncertain significance. Last evaluated: 2022-06-01. Review status: criteria provided, single submitter. Criteria: ACMG Guidelines, 2015. Collection method: clinical testing. Allele origin: germline.